The following is an entry in ClinVar:

ClinVar aggregate classification (germline): Uncertain significance. Review status: criteria provided, multiple submitters, no conflicts (2 of 4 stars). 2 submissions from 2 submitters: Uncertain significance (2). Last evaluated 2025-10-07.

Conditions:
Lipodystrophy, partial, acquired, susceptibility to (APLD). Also called: APLD, SUSCEPTIBILITY TO. Identifiers: MedGen C3887501, MONDO:0100476, OMIM 608709.
Progressive myoclonic epilepsy type 9. Identifiers: Orphanet 457265, MedGen C4225289, MONDO:0014685, OMIM 616540.

Allele frequency attached by ClinVar (database versions not stated): TOPMed 0.00003; gnomAD 0.00001 and 0.00002; gnomAD exomes 0.00006 and 0.00007; ExAC 0.00007.

Submissions (2):

Ambry Genetics
Classification: Uncertain significance. Last evaluated: 2025-10-07. Review status: criteria provided, single submitter. Criteria: Ambry Variant Classification Scheme 2023. Collection method: clinical testing. Allele origin: germline.

Labcorp Genetics (formerly Invitae), Labcorp
Classification: Uncertain significance for Progressive myoclonic epilepsy type 9; Lipodystrophy, partial, acquired, susceptibility to. Last evaluated: 2022-08-31. Review status: criteria provided, single submitter. Criteria: Invitae Variant Classification Sherloc (09022015). Collection method: clinical testing. Allele origin: germline.
Comment: This sequence change replaces arginine, which is basic and polar, with cysteine, which is neutral and slightly polar, at codon 524 of the LMNB2 protein (p.Arg524Cys). This variant is present in population databases (rs201055797, gnomAD 0.03%). This variant has not been reported in the literature in individuals affected with LMNB2-related conditions. ClinVar contains an entry for this variant (Variation ID: 576852). Algorithms developed to predict the effect of missense changes on protein structure and function (SIFT, PolyPhen-2, Align-GVGD) all suggest that this variant is likely to be disruptive. Algorithms developed to predict the effect of sequence changes on RNA splicing suggest that this variant may create or strengthen a splice site. In summary, the available evidence is currently insufficient to determine the role of this variant in disease. Therefore, it has been classified as a Variant of Uncertain Significance.

NM_032737.4(LMNB2):c.1570C>T (p.Arg524Cys)

Gene: LMNB2 (lamin B2; minus strand). Cytogenetic location: 19p13.3.
Variant type: single nucleotide variant.
Coding change: c.1570C>T on transcript NM_032737.4 (MANE Select); coding-DNA position 1570, C replaced by T.
Protein change: p.Arg524Cys; replaces arginine 524 with cysteine.
Molecular consequence: missense variant.
Genome position (GRCh38, 1-based): chr19:2,432,436, G>A on the plus strand (C>T on the coding strand, the complement: LMNB2 is on the minus strand). VCF-style: chr19-2432436-G-A. GRCh37 (hg19) VCF-style: chr19-2432434-G-A.
Other names: c.1510C>T (NM_032737.2); short protein forms R524C.
Identifiers: ClinVar variation 576852 (VCV000576852.8), dbSNP rs201055797, ClinGen allele CA9067439.
Genomic context (GRCh38, chr19:2,432,436, plus strand): 5'-CCATCCGTGGCCACCCTCGCCCTCCTGCCCCACCACCTACCGTGACCATCTGGCCGGCGC[G>A]CAGGATGTACTTGGGCGTGAACTTGTAGGCGATCTCCTCCCCCTCCAAGACCTGCCTCTT-3'
Protein context (NP_116126.3, residues 514-534): AYKFTPKYIL[Arg524Cys]AGQMVTVWAA